The following is an entry in ClinVar:

ClinVar aggregate classification (germline): Likely benign (1 of 4 stars; one submission).

gnomAD v4.1: 5,700 of 1,613,834 alleles (0.35%); highest among the groups gnomAD compares: Non-Finnish European, 0.43%; 12 homozygotes.

Submission:

CeGaT Center for Human Genetics Tuebingen
Classification: Likely benign. Last evaluated: 2025-09-01. Review status: criteria provided, single submitter. Criteria: CeGaT Center For Human Genetics Tuebingen Variant Classification Criteria Version 2. Collection method: clinical testing. Allele origin: germline. Affected: yes. Observed: 2 variant alleles.
Comment: MAST4: BP4, BS2

NM_001164664.2(MAST4):c.3948C>T (p.Ser1316=)

Gene: MAST4 (microtubule associated serine/threonine kinase family member 4; plus strand). Cytogenetic location: 5q12.3.
Variant type: single nucleotide variant.
Coding change: c.3948C>T on transcript NM_001164664.2 (MANE Select); coding-DNA position 3948, C replaced by T.
Protein change: p.Ser1316=; no amino-acid change (serine 1316 retained).
Molecular consequence: synonymous variant.
Genome position (GRCh38, 1-based): chr5:67,162,769, C>T. VCF-style: chr5-67162769-C-T. GRCh37 (hg19) VCF-style: chr5-66458597-C-T.
Other names: c.3330C>T, p.Ser1110= (NM_001290226.2); c.3165C>T, p.Ser1055= (NM_001290227.2, NM_001393527.1); c.3366C>T, p.Ser1122= (NM_001297651.2); c.3957C>T, p.Ser1319= (NM_001393524.1); c.3747C>T, p.Ser1249= (NM_001393525.1); c.3180C>T, p.Ser1060= (NM_001393526.1); c.3144C>T, p.Ser1048= (NM_001393528.1); c.3381C>T, p.Ser1127= (NM_015183.3).
Identifiers: ClinVar variation 4083710 (VCV004083710.8).